The following is an entry in ClinVar:

ClinVar aggregate classification (germline): Benign (1 of 4 stars; one submission).

Conditions:
Idiopathic basal ganglia calcification 1 (PFBC1A). Also called: Cerebral calcification nonarteriosclerotic idiopathic adult-onset; Striopallidodentate calcinosis autosomal dominant adult-onset; Ferrocalcinosis, cerebrovascular; Fahr disease, familial (formerly); PRIMARY FAMILIAL BRAIN CALCIFICATION 1A, AUTOSOMAL DOMINANT; Familial Idiopathic Basal Ganglia Calcification 3. Identifiers: Orphanet 1980, MedGen C4551624, MONDO:0024538, OMIM 213600.

Allele frequency attached by ClinVar (database versions not stated): 1000 Genomes Project 0.00160; gnomAD 0.00216 and 0.00235; 1000 Genomes Project 30x 0.00187; TOPMed 0.00250.
gnomAD v4.1: 536 of 1,093,978 alleles (0.049%); highest among the groups gnomAD compares: African/African-American, 0.77%; 2 homozygotes.

Submission:

Illumina Laboratory Services, Illumina
Classification: Benign for Idiopathic basal ganglia calcification 1. Last evaluated: 2018-01-13. Review status: criteria provided, single submitter. Criteria: ICSL Variant Classification Criteria 13 December 2019. Collection method: clinical testing. Allele origin: germline.
Comment: This variant was observed in the ICSL laboratory as part of a predisposition screen in an ostensibly healthy population. It had not been previously curated by ICSL or reported in the Human Gene Mutation Database (HGMD: prior to June 1st, 2018), and was therefore a candidate for classification through an automated scoring system. Utilizing variant allele frequency, disease prevalence and penetrance estimates, and inheritance mode, an automated score was calculated to assess if this variant is too frequent to cause the disease. Based on the score and internal cut-off values, a variant classified as benign is not then subjected to further curation. The score for this variant resulted in a classification of benign for this disease.

NM_001257180.2(SLC20A2):c.*120C>G

Gene: SLC20A2 (solute carrier family 20 member 2; minus strand). Cytogenetic location: 8p11.21.
Variant type: single nucleotide variant.
Coding change: c.*120C>G on transcript NM_001257180.2 (MANE Select); 120 bases downstream of the stop codon, C replaced by G.
Molecular consequence: 3 prime UTR variant.
Genome position (GRCh38, 1-based): chr8:42,417,683, G>C on the plus strand (C>G on the coding strand, the complement: SLC20A2 is on the minus strand). VCF-style: chr8-42417683-G-C. GRCh37 (hg19) VCF-style: chr8-42275201-G-C.
Other names: c.*120C>G (NM_001257181.2, NM_006749.5).
Identifiers: ClinVar variation 908432 (VCV000908432.4), dbSNP rs569568894, ClinGen allele CA12893121.